The following is an entry in ClinVar:

ClinVar aggregate classification (germline): Pathogenic (1 of 4 stars; one submission).

Conditions:
Ehlers-Danlos syndrome, type 4 (EDSVASC). Also called: Ehlers-Danlos syndrome vascular type; Ehlers Danlos syndrome, ecchymotic type; Ehlers Danlos syndrome, arterial type; Ehlers Danlos syndrome, Sack-Barabas type; Ehlers-Danlos Syndrome Type IV. Identifiers: Orphanet 286, MedGen C0268338, MONDO:0017314, OMIM 130050.

Submission:

Labcorp Genetics (formerly Invitae), Labcorp
Classification: Pathogenic for Ehlers-Danlos syndrome, type 4. Last evaluated: 2023-08-18. Review status: criteria provided, single submitter. Criteria: Invitae Variant Classification Sherloc (09022015). Collection method: clinical testing. Allele origin: germline.
Comment: For these reasons, this variant has been classified as Pathogenic. This variant has not been reported in the literature in individuals affected with COL3A1-related conditions. This variant is a gross deletion of the genomic region encompassing exon(s) 1 of the COL3A1 gene, which includes the initiator codon. This deletion extends beyond the assayed region for this gene and therefore may encompass additional genes. It is expected to result in an absent or disrupted protein product. Loss-of-function variants in COL3A1 are known to be pathogenic (PMID: 24922459).

Literature cited by the submitters: PubMed 24922459.

NC_000002.11:g.(?_189839216)_(189839314_?)del

Gene: COL3A1 (collagen type III alpha 1 chain; plus strand). Cytogenetic location: 2q32.2.
Variant type: Deletion.
Identifiers: ClinVar variation 2422337 (VCV002422337.6).